The following is an entry in ClinVar:

ClinVar aggregate classification (germline): Uncertain significance. Review status: criteria provided, multiple submitters, no conflicts (2 of 4 stars). 3 submissions from 3 submitters: Uncertain significance (3). Last evaluated 2025-10-09.

Conditions:
Cardiovascular phenotype. Identifiers: MedGen CN230736.
Dilated cardiomyopathy 1O (CMD1O). Also called: CARDIOMYOPATHY, DILATED, WITH VENTRICULAR TACHYCARDIA. Identifiers: Orphanet 154, MedGen C1837839, MONDO:0012062, OMIM 608569.

gnomAD v4.1: 2 of 1,613,960 alleles (0.00012%); no homozygotes.

Submissions (3):

Ambry Genetics
Classification: Uncertain significance for Cardiovascular phenotype. Last evaluated: 2025-10-09. Review status: criteria provided, single submitter. Criteria: Ambry Variant Classification Scheme 2023. Collection method: clinical testing. Allele origin: germline.
Comment: The p.T870S variant (also known as c.2608A>T), located in coding exon 21 of the ABCC9 gene, results from an A to T substitution at nucleotide position 2608. The threonine at codon 870 is replaced by serine, an amino acid with similar properties. This amino acid position is highly conserved in available vertebrate species. In addition, this alteration is predicted to be deleterious by in silico analysis. Based on the available evidence, the clinical significance of this variant remains unclear.

Labcorp Genetics (formerly Invitae), Labcorp
Classification: Uncertain significance for Dilated cardiomyopathy 1O. Last evaluated: 2025-06-11. Review status: criteria provided, single submitter. Criteria: Invitae Variant Classification Sherloc (09022015). Collection method: clinical testing. Allele origin: germline.
Comment: This sequence change replaces threonine, which is neutral and polar, with serine, which is neutral and polar, at codon 870 of the ABCC9 protein (p.Thr870Ser). This variant is not present in population databases (gnomAD no frequency). This variant has not been reported in the literature in individuals affected with ABCC9-related conditions. ClinVar contains an entry for this variant (Variation ID: 382817). Invitae Evidence Modeling of protein sequence and biophysical properties (such as structural, functional, and spatial information, amino acid conservation, physicochemical variation, residue mobility, and thermodynamic stability) indicates that this missense variant is expected to disrupt ABCC9 protein function with a positive predictive value of 80%. In summary, the available evidence is currently insufficient to determine the role of this variant in disease. Therefore, it has been classified as a Variant of Uncertain Significance.

GeneDx
Classification: Uncertain significance. Last evaluated: 2018-06-07. Review status: criteria provided, single submitter. Criteria: GeneDx Variant Classification (06012015). Collection method: clinical testing. Allele origin: germline. Affected: yes.
Comment: A variant of uncertain significance has been identified in the ABCC9 gene. The T870S variant has not been published as pathogenic or been reported as benign to our knowledge. This variant is not observed in large population cohorts (Lek et al., 2016). In-silico analyses, including protein predictors and evolutionary conservation, support a deleterious effect. However, the T870S variant is a conservative amino acid substitution, which is not likely to impact secondary protein structure as these residues share similar properties. Therefore, based on the currently available information, it is unclear whether this variant is pathogenic or rare benign.

NM_020297.4(ABCC9):c.2608A>T (p.Thr870Ser)

Gene: ABCC9 (ATP binding cassette subfamily C member 9; minus strand). Cytogenetic location: 12p12.1.
Variant type: single nucleotide variant.
Coding change: c.2608A>T on transcript NM_020297.4 (MANE Select); coding-DNA position 2608, A replaced by T.
Protein change: p.Thr870Ser; replaces threonine 870 with serine.
Molecular consequence: missense variant.
Genome position (GRCh38, 1-based): chr12:21,852,403, T>A on the plus strand (A>T on the coding strand, the complement: ABCC9 is on the minus strand). VCF-style: chr12-21852403-T-A. GRCh37 (hg19) VCF-style: chr12-22005337-T-A.
Other names: c.2608A>T, p.Thr870Ser (NM_001377273.1, NM_005691.4); c.1741A>T, p.Thr581Ser (NM_001377274.1); c.2608A>T (NM_005691.2); short protein forms T870S, T581S.
Identifiers: ClinVar variation 382817 (VCV000382817.10), dbSNP rs1057521460, ClinGen allele CA16606240.
Genomic context (GRCh38, chr12:21,852,403, plus strand): 5'-GCAAAATTCTCTTCTAAACTCTTACCCAGTCAGCATGCGTCAGATACTGTAATTTGTGAG[T>A]CACAAGAACGAGTGTCCTTTTGTCATCTTGCAGGAATTTCAAAATCCCCTCCTGCATTAA-3'
Protein context (NP_064693.2, residues 860-880): QDDKRTLVLV[Thr870Ser]HKLQYLTHAD